The following is an entry in ClinVar:

NM_004706.4(ARHGEF1):c.2413G>C (p.Glu805Gln)

Gene: ARHGEF1 (Rho guanine nucleotide exchange factor 1; plus strand). Cytogenetic location: 19q13.2.
Variant type: single nucleotide variant.
Coding change: c.2413G>C on transcript NM_004706.4 (MANE Select); coding-DNA position 2413, G replaced by C.
Protein change: p.Glu805Gln; replaces glutamic acid 805 with glutamine.
Molecular consequence: missense variant. On other transcripts: non-coding transcript variant (2).
Genome position (GRCh38, 1-based): chr19:41,905,947, G>C. VCF-style: chr19-41905947-G-C. GRCh37 (hg19) VCF-style: chr19-42410099-G-C.
Other names: c.2581G>C, p.Glu861Gln (NM_001396000.1); c.2314G>C, p.Glu772Gln (NM_001396002.1, NM_001396004.1, NM_198977.2); c.2413G>C, p.Glu805Gln (NM_001396003.1, NM_001396006.1); c.2458G>C, p.Glu820Gln (NM_199002.2); short protein forms E772Q, E861Q, E805Q, E820Q.
Identifiers: ClinVar variation 2777042 (VCV002777042.3), dbSNP rs376841668, ClinGen allele CA406068312.

ClinVar aggregate classification (germline): Uncertain significance (1 of 4 stars; one submission).

Submission:

Labcorp Genetics (formerly Invitae), Labcorp
Classification: Uncertain significance. Last evaluated: 2023-03-09. Review status: criteria provided, single submitter. Criteria: Invitae Variant Classification Sherloc (09022015). Collection method: clinical testing. Allele origin: germline.
Comment: This variant has not been reported in the literature in individuals affected with ARHGEF1-related conditions. This variant is not present in population databases (gnomAD no frequency). This sequence change replaces glutamic acid, which is acidic and polar, with glutamine, which is neutral and polar, at codon 820 of the ARHGEF1 protein (p.Glu820Gln). An algorithm developed to predict the effect of missense changes on protein structure and function (PolyPhen-2) suggests that this variant is likely to be disruptive. In summary, the available evidence is currently insufficient to determine the role of this variant in disease. Therefore, it has been classified as a Variant of Uncertain Significance.